The following is an entry in ClinVar:

ClinVar aggregate classification (germline): Uncertain significance (1 of 4 stars; one submission).

Submission:

Labcorp Genetics (formerly Invitae), Labcorp
Classification: Uncertain significance. Last evaluated: 2022-02-13. Review status: criteria provided, single submitter. Criteria: Invitae Variant Classification Sherloc (09022015). Collection method: clinical testing. Allele origin: germline.
Comment: In summary, the available evidence is currently insufficient to determine the role of this variant in disease. Therefore, it has been classified as a Variant of Uncertain Significance. Algorithms developed to predict the effect of missense changes on protein structure and function (SIFT, PolyPhen-2, Align-GVGD) all suggest that this variant is likely to be disruptive. This variant has not been reported in the literature in individuals affected with MPDZ-related conditions. This variant is not present in population databases (gnomAD no frequency). This sequence change replaces glutamic acid, which is acidic and polar, with glycine, which is neutral and non-polar, at codon 765 of the MPDZ protein (p.Glu765Gly).

NM_001378778.1(MPDZ):c.2294A>G (p.Glu765Gly)

Gene: MPDZ (multiple PDZ domain crumbs cell polarity complex component; minus strand). Cytogenetic location: 9p23.
Variant type: single nucleotide variant.
Coding change: c.2294A>G on transcript NM_001378778.1 (MANE Select); coding-DNA position 2294, A replaced by G.
Protein change: p.Glu765Gly; replaces glutamic acid 765 with glycine.
Molecular consequence: missense variant.
Genome position (GRCh38, 1-based): chr9:13,188,854, T>C on the plus strand (A>G on the coding strand, the complement: MPDZ is on the minus strand). VCF-style: chr9-13188854-T-C. GRCh37 (hg19) VCF-style: chr9-13188853-T-C.
Other names: c.2294A>G, p.Glu765Gly (NM_001375416.1, NM_001375417.1, NM_001375418.1 and 14 more transcripts); short protein forms E765G.
Identifiers: ClinVar variation 2097479 (VCV002097479.4), dbSNP rs2494063336, ClinGen allele CA372937403.